The following is an entry in ClinVar:

ClinVar aggregate classification (germline): Likely benign (1 of 4 stars; one submission).

Submission:

CeGaT Center for Human Genetics Tuebingen
Classification: Likely benign. Last evaluated: 2026-03-01. Review status: criteria provided, single submitter. Criteria: CeGaT Center For Human Genetics Tuebingen Variant Classification Criteria Version 2. Collection method: clinical testing. Allele origin: germline. Affected: yes. Observed: 1 variant allele.
Comment: PIGU: PM2:Supporting, BP4, BP7

NM_080476.5(PIGU):c.1026C>T (p.Phe342=)

Gene: PIGU (phosphatidylinositol glycan anchor biosynthesis class U; minus strand). Cytogenetic location: 20q11.22.
Variant type: single nucleotide variant.
Coding change: c.1026C>T on transcript NM_080476.5 (MANE Select); coding-DNA position 1026, C replaced by T.
Protein change: p.Phe342=; no amino-acid change (phenylalanine 342 retained).
Molecular consequence: synonymous variant.
Genome position (GRCh38, 1-based): chr20:34,581,573, G>A on the plus strand (C>T on the coding strand, the complement: PIGU is on the minus strand). VCF-style: chr20-34581573-G-A. GRCh37 (hg19) VCF-style: chr20-33169377-G-A.
Identifiers: ClinVar variation 4822823 (VCV004822823.4).